The following is an entry in ClinVar:

ClinVar aggregate classification (germline): Likely benign (1 of 4 stars; one submission).

Submission:

Women's Health and Genetics/Laboratory Corporation of America, LabCorp
Classification: Likely benign. Last evaluated: 2024-04-16. Review status: criteria provided, single submitter. Criteria: LabCorp Variant Classification Summary - May 2015. Collection method: clinical testing. Allele origin: germline.
Comment: Variant summary: CHEK2 c.516A>T alters a non-conserved nucleotide resulting in a synonymous change. Consensus agreement among computation tools predict no significant impact on normal splicing. However, these predictions have yet to be confirmed by functional studies. The variant was absent in 251420 control chromosomes. The available data on variant occurrences in the general population are insufficient to allow any conclusion about variant significance. To our knowledge, no occurrence of c.516A>T in individuals affected with Prostate Cancer and no experimental evidence demonstrating its impact on protein function have been reported. No submitters have cited clinical-significance assessments for this variant to ClinVar. Based on the evidence outlined above, the variant was classified as likely benign.

NM_007194.4(CHEK2):c.516A>T (p.Thr172=)

Gene: CHEK2 (checkpoint kinase 2; minus strand). Cytogenetic location: 22q12.1.
Variant type: single nucleotide variant.
Coding change: c.516A>T on transcript NM_007194.4 (MANE Select); coding-DNA position 516, A replaced by T.
Protein change: p.Thr172=; no amino-acid change (threonine 172 retained).
Molecular consequence: synonymous variant. On other transcripts: 5 prime UTR variant (2), intron variant (1).
Genome position (GRCh38, 1-based): chr22:28,725,053, T>A on the plus strand (A>T on the coding strand, the complement: CHEK2 is on the minus strand). VCF-style: chr22-28725053-T-A. GRCh37 (hg19) VCF-style: chr22-29121041-T-A.
Other names: c.645A>T, p.Thr215= (NM_001005735.3, NM_001438294.1); c.-262A>T (NM_001257387.3); c.-148A>T (NM_001437942.1); c.609A>T, p.Thr203= (NM_001438293.1, NM_001438295.1); c.516A>T, p.Thr172= (NM_145862.3); c.445-130A>T (NM_001349956.3).
Identifiers: ClinVar variation 3251263 (VCV003251263.1), dbSNP rs2146059358.